The following is an entry in ClinVar:

NM_001330360.2(POLA1):c.3766C>T (p.His1256Tyr)

Gene: POLA1 (DNA polymerase alpha 1, catalytic subunit; plus strand). Cytogenetic location: Xp22.11.
Variant type: single nucleotide variant.
Coding change: c.3766C>T on transcript NM_001330360.2 (MANE Select); coding-DNA position 3766, C replaced by T.
Protein change: p.His1256Tyr; replaces histidine 1256 with tyrosine.
Molecular consequence: missense variant. On other transcripts: non-coding transcript variant (2).
Genome position (GRCh38, 1-based): chrX:24,841,681, C>T. VCF-style: chrX-24841681-C-T. GRCh37 (hg19) VCF-style: chrX-24859798-C-T.
Other names: c.3691C>T, p.His1231Tyr (NM_001378303.1); c.3748C>T, p.His1250Tyr (NM_016937.4); c.3748C>T (NM_016937.3); short protein forms H1231Y, H1250Y, H1256Y.
Identifiers: ClinVar variation 1935617 (VCV001935617.6), dbSNP rs2046411082, ClinGen allele CA412607968.
Genomic context (GRCh38, chrX:24,841,681, plus strand): 5'-CTGAATTTGTTTTTTTCTTTTACATTAATAGGACTTGACCCCACCCAATTTAGAGTTCAT[C>T]ATTATCATAAAGATGAAGAGAATGATGCTCTACTTGGTGGCCCAGCACAGCTCACTGATG-3'
Protein context (NP_001317289.1, residues 1246-1266): GLDPTQFRVH[His1256Tyr]YHKDEENDAL

ClinVar aggregate classification (germline): Uncertain significance. Review status: criteria provided, multiple submitters, no conflicts (2 of 4 stars). 2 submissions from 2 submitters: Uncertain significance (2). Last evaluated 2025-12-02.

Conditions:
Inborn genetic diseases. Identifiers: MedGen C0950123, MeSH D030342.

Allele frequency attached by ClinVar (database versions not stated): TOPMed below 0.00001.

Submissions (2):

Ambry Genetics
Classification: Uncertain significance for Inborn genetic diseases. Last evaluated: 2025-12-02. Review status: criteria provided, single submitter. Criteria: Ambry Variant Classification Scheme 2023. Collection method: clinical testing. Allele origin: germline.

Labcorp Genetics (formerly Invitae), Labcorp
Classification: Uncertain significance. Last evaluated: 2022-03-14. Review status: criteria provided, single submitter. Criteria: Invitae Variant Classification Sherloc (09022015). Collection method: clinical testing. Allele origin: germline.
Comment: In summary, the available evidence is currently insufficient to determine the role of this variant in disease. Therefore, it has been classified as a Variant of Uncertain Significance. This variant has not been reported in the literature in individuals affected with POLA1-related conditions. Algorithms developed to predict the effect of missense changes on protein structure and function are either unavailable or do not agree on the potential impact of this missense change (SIFT: "Deleterious"; PolyPhen-2: "Benign"; Align-GVGD: "Class C35"). This variant is not present in population databases (gnomAD no frequency). This sequence change replaces histidine, which is basic and polar, with tyrosine, which is neutral and polar, at codon 1250 of the POLA1 protein (p.His1250Tyr).